The following is an entry in ClinVar:

NM_000271.5(NPC1):c.3410dup (p.Asn1137fs)

Gene: NPC1 (NPC intracellular cholesterol transporter 1; minus strand). Cytogenetic location: 18q11.2.
Variant type: Duplication.
Coding change: c.3410dup on transcript NM_000271.5 (MANE Select); coding-DNA position 3410, one base duplicated (A; older notation c.3410dupA).
Protein change: p.Asn1137fs; shifts the reading frame from asparagine 1137.
Molecular consequence: frameshift variant.
Genome position (GRCh38, 1-based): chr18:23,535,536, T duplicated on the plus strand (A on the coding strand, the reverse complement: NPC1 is on the minus strand); the first of 2 consecutive T bases (chr18:23,535,536-23,535,537); duplicating either gives the same sequence. VCF-style (leftmost placement, unchanged base first): chr18-23535535-G-GT. GRCh37 (hg19) VCF-style: chr18-21115499-G-GT.
Other names: c.3410dupA (NM_000271.5); short protein forms N1137fs.
Identifiers: ClinVar variation 666978 (VCV000666978.9), dbSNP rs768299417, ClinGen allele CA297079171.

ClinVar aggregate classification (germline): Pathogenic/Likely pathogenic. Review status: criteria provided, multiple submitters, no conflicts (2 of 4 stars). 4 submissions from 4 submitters: Pathogenic (2); Likely pathogenic (2). Last evaluated 2025-11-05.

Conditions:
Cholestasis. Identifiers: MedGen C0008370, MONDO:0001751, HP:0001396.
Niemann-Pick disease, type C (NPC). Identifiers: Orphanet 646, MedGen C0220756, MONDO:0018982.
Niemann-Pick disease, type C1. Also called: NIEMANN-PICK DISEASE, VARIANT TYPE C1; NEUROVISCERAL STORAGE DISEASE WITH VERTICAL SUPRANUCLEAR OPHTHALMOPLEGIA; NIEMANN-PICK DISEASE WITH CHOLESTEROL ESTERIFICATION BLOCK; NIEMANN-PICK DISEASE WITHOUT SPHINGOMYELINASE DEFICIENCY; NIEMANN-PICK DISEASE, CHRONIC NEURONOPATHIC FORM. Identifiers: Orphanet 646, MedGen C3179455, MONDO:0009757, OMIM 257220.

Submissions (4):

Women's Health and Genetics/Laboratory Corporation of America, LabCorp
Classification: Pathogenic for Niemann-Pick disease, type C. Last evaluated: 2025-11-05. Review status: criteria provided, single submitter. Criteria: LabCorp Variant Classification Summary - May 2015. Collection method: clinical testing. Allele origin: germline.
Comment: Variant summary: NPC1 c.3410dupA (p.Asn1137LysfsX121) results in a premature termination codon, predicted to cause a truncation of the encoded protein or absence of the protein due to nonsense mediated decay, which are commonly known mechanisms for disease. Truncations downstream of this position have been classified as pathogenic by our laboratory and also reported in association with Niemann-Pick Disease Type C in the HGMD database. The variant allele was found at a frequency of 4e-06 in 251156 control chromosomes (gnomAD). To our knowledge, no occurrence of c.3410dupA in individuals affected with NPC1-related conditions and no experimental evidence demonstrating its impact on protein function have been reported. ClinVar contains an entry for this variant (Variation ID: 666978). Based on the evidence outlined above, the variant was classified as pathogenic.

Institute Of Liver Studies, NHS South East Genomic Laboratory Hub
Classification: Likely pathogenic for Cholestasis. Last evaluated: 2025-08-28. Review status: criteria provided, single submitter. Criteria: ACGS Best Practice Guidelines for Variant Classification in Rare Disease 2024. Collection method: clinical testing. Allele origin: germline. Affected: yes.

Labcorp Genetics (formerly Invitae), Labcorp
Classification: Pathogenic for Niemann-Pick disease, type C1. Last evaluated: 2022-12-21. Review status: criteria provided, single submitter. Criteria: Invitae Variant Classification Sherloc (09022015). Collection method: clinical testing. Allele origin: germline.
Comment: This sequence change creates a premature translational stop signal (p.Asn1137Lysfs*121) in the NPC1 gene. While this is not anticipated to result in nonsense mediated decay, it is expected to disrupt the last 142 amino acid(s) of the NPC1 protein. For these reasons, this variant has been classified as Pathogenic. This variant disrupts a region of the NPC1 protein in which other variant(s) (p.Arg1173Lysfs*85) have been determined to be pathogenic (Invitae). This suggests that this is a clinically significant region of the protein, and that variants that disrupt it are likely to be disease-causing. ClinVar contains an entry for this variant (Variation ID: 666978). This variant has not been reported in the literature in individuals affected with NPC1-related conditions. This variant is present in population databases (rs768299417, gnomAD 0.0009%).

Laboratory for Molecular Medicine, Mass General Brigham Personalized Medicine
Classification: Likely pathogenic for Niemann-Pick disease, type C. Last evaluated: 2017-06-28. Review status: criteria provided, single submitter. Criteria: LMM Criteria. Collection method: clinical testing. Allele origin: germline. Inheritance: Autosomal recessive inheritance. Observed: 1 variant allele.
Comment: The p.Asn1137LysfsX121 (NM_000271.4 c.3410_3411insA) variant in NPC1 has not be en previously reported in the literature. This variant has been identified in 1/ 111564 of European chromosomes by the Genome Aggregation Database (gnomAD; dbSNP rs768299417). It is predicted to cause a fram eshift, which alters the protein?s amino acid sequence beginning at position 113 7 and leads to a premature termination codon 121 amino acids downstream. This al teration is then predicted to lead to a truncated or absent protein. Biallelic l oss of function of the NPC1 gene is associated with Niemann-Pick disease, type C 1. In summary, although additional studies are required to fully establish a nul l effect on the protein, the p.Asn1137LysfsX121 variant in the NPC1 gene is lik ely pathogenic for Niemann-Pick disease, type C1 in an autosomal recessive manne r based on its predicted impact on the protein.